The following is an entry in ClinVar:

NM_001174147.2(LMX1B):c.*3865G>A

Gene: LMX1B (LIM homeobox transcription factor 1 beta; plus strand). Cytogenetic location: 9q33.3.
Variant type: single nucleotide variant.
Coding change: c.*3865G>A on transcript NM_001174147.2 (MANE Select); 3865 bases downstream of the stop codon, G replaced by A.
Molecular consequence: 3 prime UTR variant.
Genome position (GRCh38, 1-based): chr9:126,700,316, G>A. VCF-style: chr9-126700316-G-A. GRCh37 (hg19) VCF-style: chr9-129462595-G-A.
Other names: c.*3865G>A (NM_001174146.2, NM_002316.4).
Identifiers: ClinVar variation 913171 (VCV000913171.5), dbSNP rs10987420, ClinGen allele CA12971821.

ClinVar aggregate classification (germline): Benign. Review status: criteria provided, multiple submitters, no conflicts (2 of 4 stars). 2 submissions from 2 submitters: Benign (2). Last evaluated 2018-01-13.

Conditions:
Nail-patella syndrome (NPS). Also called: FONG DISEASE; ONYCHOOSTEODYSPLASIA; TURNER-KIESER SYNDROME. Identifiers: Orphanet 2614, MedGen C0027341, MONDO:0008061, OMIM 161200.

Allele frequency attached by ClinVar (database versions not stated): gnomAD 0.08771 and 0.09427; gnomAD exomes 0.08824; TOPMed 0.09534; 1000 Genomes Project 30x 0.12867; 1000 Genomes Project 0.13438.
gnomAD v4.1: 14,284 of 152,232 alleles (9.4%); highest among the groups gnomAD compares: East Asian, 23%; 987 homozygotes.

Submissions (2):

Illumina Laboratory Services, Illumina
Classification: Benign for Nail-patella syndrome. Last evaluated: 2018-01-13. Review status: criteria provided, single submitter. Criteria: ICSL Variant Classification Criteria 13 December 2019. Collection method: clinical testing. Allele origin: germline.
Comment: This variant was observed in the ICSL laboratory as part of a predisposition screen in an ostensibly healthy population. It had not been previously curated by ICSL or reported in the Human Gene Mutation Database (HGMD: prior to June 1st, 2018), and was therefore a candidate for classification through an automated scoring system. Utilizing variant allele frequency, disease prevalence and penetrance estimates, and inheritance mode, an automated score was calculated to assess if this variant is too frequent to cause the disease. Based on the score and internal cut-off values, a variant classified as benign is not then subjected to further curation. The score for this variant resulted in a classification of benign for this disease.

Breakthrough Genomics
Classification: Benign. Review status: criteria provided, single submitter. Criteria: ACMG Guidelines, 2015. Collection method: not provided. Allele origin: germline. Inheritance: Autosomal dominant inheritance. Affected: yes.